The following is an entry in ClinVar:

NM_001829.4(CLCN3):c.1823T>A (p.Val608Asp)

Gene: CLCN3 (chloride voltage-gated channel 3; plus strand). Cytogenetic location: 4q33.
Variant type: single nucleotide variant.
Coding change: c.1823T>A on transcript NM_001829.4 (MANE Select); coding-DNA position 1823, T replaced by A.
Protein change: p.Val608Asp; replaces valine 608 with aspartic acid.
Molecular consequence: missense variant.
Genome position (GRCh38, 1-based): chr4:169,706,940, T>A. VCF-style: chr4-169706940-T-A. GRCh37 (hg19) VCF-style: chr4-170628091-T-A.
Other names: c.1742T>A, p.Val581Asp (NM_001243372.2, NM_001243374.2); c.1823T>A, p.Val608Asp (NM_173872.4); short protein forms V581D, V608D.
Identifiers: ClinVar variation 3775317 (VCV003775317.1).

ClinVar aggregate classification (germline): Uncertain significance (1 of 4 stars; one submission).

Conditions:
Neurodevelopmental disorder with hypotonia and brain abnormalities. Identifiers: MedGen C5561977, MONDO:0859187, OMIM 619512.

Submission:

3billion
Classification: Uncertain significance for Neurodevelopmental disorder with hypotonia and brain abnormalities. Last evaluated: 2023-09-08. Review status: criteria provided, single submitter. Criteria: ACMG Guidelines, 2015. Collection method: clinical testing. Allele origin: germline. Affected: yes.
Comment: The variant is not observed in the gnomAD v2.1.1 dataset. Predicted Consequence/Location: Missense changes are a common disease-causing mechanism. In silico tool predictions suggest damaging effect of the variant on gene or gene product [REVEL: 0.97 (>=0.6, sensitivity 0.68 and specificity 0.92)]. Therefore, this variant is classified as VUS according to the recommendation of ACMG/AMP guideline.